The following is an entry in ClinVar:

ClinVar aggregate classification (germline): Likely pathogenic (1 of 4 stars; one submission).

Submission:

GeneDx
Classification: Likely pathogenic. Last evaluated: 2019-11-18. Review status: criteria provided, single submitter. Criteria: GeneDx Variant Classification Process June 2021. Collection method: clinical testing. Allele origin: germline. Affected: yes.
Comment: Not observed in large population cohorts (Lek et al., 2016); In silico analysis, which includes protein predictors and evolutionary conservation, supports a deleterious effect; Has not been previously published as pathogenic or benign to our knowledge

NM_004974.4(KCNA2):c.1135G>C (p.Asp379His)

Gene: KCNA2 (potassium voltage-gated channel subfamily A member 2; minus strand). Cytogenetic location: 1p13.3.
Variant type: single nucleotide variant.
Coding change: c.1135G>C on transcript NM_004974.4 (MANE Select); coding-DNA position 1135, G replaced by C.
Protein change: p.Asp379His; replaces aspartic acid 379 with histidine.
Molecular consequence: missense variant. On other transcripts: intron variant (1).
Genome position (GRCh38, 1-based): chr1:110,603,648, C>G on the plus strand (G>C on the coding strand, the complement: KCNA2 is on the minus strand). VCF-style: chr1-110603648-C-G. GRCh37 (hg19) VCF-style: chr1-111146270-C-G.
Other names: c.894+241G>C (NM_001204269.2); short protein forms D379H.
Identifiers: ClinVar variation 1196855 (VCV001196855.2), dbSNP rs2101397006, ClinGen allele CA341601697.